The following is an entry in ClinVar:

ClinVar aggregate classification (germline): Pathogenic (1 of 4 stars; one submission).

Conditions:
Asphyxiating thoracic dystrophy 3. Also called: SHORT-RIB THORACIC DYSPLASIA 3 WITH OR WITHOUT POLYDACTYLY; POLYDACTYLY WITH NEONATAL CHONDRODYSTROPHY, TYPE I; SHORT-RIB THORACIC DYSPLASIA 3/6 WITH POLYDACTYLY, DIGENIC; Short rib polydactyly syndrome 2B; Saldino-Noonan Syndrome. Identifiers: Orphanet 474, Orphanet 93269, Orphanet 93270, Orphanet 93271, MedGen C0036069, MONDO:0013127, OMIM 613091.

Submission:

Myriad Genetics, Inc.
Classification: Pathogenic for Asphyxiating thoracic dystrophy 3. Last evaluated: 2025-11-25. Review status: criteria provided, single submitter. Criteria: Myriad Autosomal Dominant, Autosomal Recessive and X-Linked Classification Criteria (2023). Collection method: clinical testing. Allele origin: unknown.
Comment: NM_001377.2(DYNC2H1):c.6700dupA(T2234Nfs*2) is expected to be pathogenic in the context of DYNC2H1-related disorders. This variant is predicted to lead to an abnormal or absent protein product due to the creation of a premature termination codon in DYNC2H1, a gene where loss-of-function variants are known to be pathogenic. Please note: this variant was assessed in the context of healthy population screening.

NM_001377.3(DYNC2H1):c.6700dup (p.Thr2234fs)

Gene: DYNC2H1 (dynein cytoplasmic 2 heavy chain 1; plus strand). Cytogenetic location: 11q22.3.
Variant type: Duplication.
Coding change: c.6700dup on transcript NM_001377.3 (MANE Select); coding-DNA position 6700, one base duplicated (A; older notation c.6700dupA).
Protein change: p.Thr2234fs; shifts the reading frame from threonine 2234.
Molecular consequence: frameshift variant.
Genome position (GRCh38, 1-based): chr11:103,186,308, A duplicated. VCF-style (leftmost placement, unchanged base first): chr11-103186307-T-TA. GRCh37 (hg19) VCF-style: chr11-103057036-T-TA.
Other names: c.6700dup, p.Thr2234fs (NM_001080463.2); short protein forms T2234fs.
Identifiers: ClinVar variation 5015260 (VCV005015260.1).